The following is an entry in ClinVar:

ClinVar aggregate classification (germline): Uncertain significance (1 of 4 stars; one submission).

Conditions:
Inborn genetic diseases. Identifiers: MedGen C0950123, MeSH D030342.

Submission:

Ambry Genetics
Classification: Uncertain significance for Inborn genetic diseases. Last evaluated: 2021-06-22. Review status: criteria provided, single submitter. Criteria: Ambry Variant Classification Scheme 2023. Collection method: clinical testing. Allele origin: germline.
Comment: The p.R498G variant (also known as c.1492C>G), located in coding exon 14 of the FUS gene, results from a C to G substitution at nucleotide position 1492. The arginine at codon 498 is replaced by glycine, an amino acid with dissimilar properties. This amino acid position is conserved. In addition, the in silico prediction for this alteration is inconclusive. Since supporting evidence is limited at this time, the clinical significance of this alteration remains unclear.

NM_004960.4(FUS):c.1492C>G (p.Arg498Gly)

Gene: FUS (FUS RNA binding protein; plus strand). Cytogenetic location: 16p11.2.
Variant type: single nucleotide variant.
Coding change: c.1492C>G on transcript NM_004960.4 (MANE Select); coding-DNA position 1492, C replaced by G.
Protein change: p.Arg498Gly; replaces arginine 498 with glycine.
Molecular consequence: missense variant. On other transcripts: non-coding transcript variant (1).
Genome position (GRCh38, 1-based): chr16:31,191,061, C>G. VCF-style: chr16-31191061-C-G. GRCh37 (hg19) VCF-style: chr16-31202382-C-G.
Other names: c.1489C>G, p.Arg497Gly (NM_001170634.1); c.1480C>G, p.Arg494Gly (NM_001170937.1); short protein forms R494G, R497G, R498G.
Identifiers: ClinVar variation 1773810 (VCV001773810.2), dbSNP rs1488351353, ClinGen allele CA395675974.